The following is an entry in ClinVar:

NM_000337.6(SGCD):c.190A>G (p.Ile64Val)

Gene: SGCD (sarcoglycan delta; plus strand). Cytogenetic location: 5q33.3.
Variant type: single nucleotide variant.
Coding change: c.190A>G on transcript NM_000337.6 (MANE Select); coding-DNA position 190, A replaced by G.
Protein change: p.Ile64Val; replaces isoleucine 64 with valine.
Molecular consequence: missense variant.
Genome position (GRCh38, 1-based): chr5:156,344,675, A>G. VCF-style: chr5-156344675-A-G. GRCh37 (hg19) VCF-style: chr5-155771685-A-G.
Other names: c.187A>G, p.Ile63Val (NM_001128209.2); c.190A>G, p.Ile64Val (NM_172244.3); short protein forms I64V, I63V.
Identifiers: ClinVar variation 952712 (VCV000952712.7), dbSNP rs753808210, ClinGen allele CA3530499.

ClinVar aggregate classification (germline): Uncertain significance (1 of 4 stars; one submission).

Conditions:
Autosomal recessive limb-girdle muscular dystrophy type 2F (LGMDR6). Also called: MUSCULAR DYSTROPHY, LIMB-GIRDLE, AUTOSOMAL RECESSIVE 6; Muscular dystrophy limb-girdle with delta-sarcoglyan deficiency. Identifiers: Orphanet 219, MedGen C1832525, MONDO:0011028, OMIM 601287. Disease mechanism: Affects gamma-sarcoglycan and also disrupts the integrity of the entire sarcoglycan complex..

Allele frequency attached by ClinVar (database versions not stated): gnomAD exomes below 0.00001 and 0.00001; TOPMed below 0.00001; ExAC 0.00001; gnomAD 0.00001.
gnomAD v4.1: 12 of 1,598,706 alleles (0.00075%); highest among the groups gnomAD compares: South Asian, 0.0011%; no homozygotes.

Submission:

Labcorp Genetics (formerly Invitae), Labcorp
Classification: Uncertain significance for Autosomal recessive limb-girdle muscular dystrophy type 2F. Last evaluated: 2022-04-13. Review status: criteria provided, single submitter. Criteria: Invitae Variant Classification Sherloc (09022015). Collection method: clinical testing. Allele origin: germline.
Comment: This sequence change replaces isoleucine, which is neutral and non-polar, with valine, which is neutral and non-polar, at codon 64 of the SGCD protein (p.Ile64Val). This variant is present in population databases (rs753808210, gnomAD 0.002%). This variant has not been reported in the literature in individuals affected with SGCD-related conditions. ClinVar contains an entry for this variant (Variation ID: 952712). Algorithms developed to predict the effect of missense changes on protein structure and function (SIFT, PolyPhen-2, Align-GVGD) all suggest that this variant is likely to be tolerated. Algorithms developed to predict the effect of sequence changes on RNA splicing suggest that this variant may create or strengthen a splice site. In summary, the available evidence is currently insufficient to determine the role of this variant in disease. Therefore, it has been classified as a Variant of Uncertain Significance.